The following is an entry in ClinVar:

NM_006946.4(SPTBN2):c.4486G>C (p.Asp1496His)

Gene: SPTBN2 (spectrin beta, non-erythrocytic 2; minus strand). Cytogenetic location: 11q13.2.
Variant type: single nucleotide variant.
Coding change: c.4486G>C on transcript NM_006946.4 (MANE Select); coding-DNA position 4486, G replaced by C.
Protein change: p.Asp1496His; replaces aspartic acid 1496 with histidine.
Molecular consequence: missense variant.
Genome position (GRCh38, 1-based): chr11:66,694,156, C>G on the plus strand (G>C on the coding strand, the complement: SPTBN2 is on the minus strand). VCF-style: chr11-66694156-C-G. GRCh37 (hg19) VCF-style: chr11-66461627-C-G.
Other names: c.4507G>C, p.Asp1503His (NM_001411025.1); short protein forms D1496H, D1503H.
Identifiers: ClinVar variation 1984000 (VCV001984000.4), dbSNP rs749661458, ClinGen allele CA381469924.

ClinVar aggregate classification (germline): Uncertain significance (1 of 4 stars; one submission).

gnomAD v4.1: 2 of 1,608,520 alleles (0.00012%); highest among the groups gnomAD compares: African/African-American, 0.0013%; no homozygotes.

Submission:

Labcorp Genetics (formerly Invitae), Labcorp
Classification: Uncertain significance. Last evaluated: 2024-11-04. Review status: criteria provided, single submitter. Criteria: Invitae Variant Classification Sherloc (09022015). Collection method: clinical testing. Allele origin: germline.
Comment: This sequence change replaces aspartic acid, which is acidic and polar, with histidine, which is basic and polar, at codon 1496 of the SPTBN2 protein (p.Asp1496His). This variant is not present in population databases (gnomAD no frequency). This variant has not been reported in the literature in individuals affected with SPTBN2-related conditions. ClinVar contains an entry for this variant (Variation ID: 1984000). Invitae Evidence Modeling of protein sequence and biophysical properties (such as structural, functional, and spatial information, amino acid conservation, physicochemical variation, residue mobility, and thermodynamic stability) indicates that this missense variant is expected to disrupt SPTBN2 protein function with a positive predictive value of 80%. In summary, the available evidence is currently insufficient to determine the role of this variant in disease. Therefore, it has been classified as a Variant of Uncertain Significance.